The following is an entry in ClinVar:

ClinVar aggregate classification (germline): Likely benign (1 of 4 stars; one submission).

Allele frequency attached by ClinVar (database versions not stated): TOPMed 0.00020; gnomAD exomes 0.00038; ESP Exome Variant Server 0.00046; 1000 Genomes Project 30x 0.00047; 1000 Genomes Project 0.00060; gnomAD 0.00088; ExAC 0.00097.

Submissions (2):

CeGaT Center for Human Genetics Tuebingen
Classification: Likely benign. Last evaluated: 2022-04-01. Review status: criteria provided, single submitter. Criteria: CeGaT Center For Human Genetics Tuebingen Variant Classification Criteria Version 2. Collection method: clinical testing. Allele origin: germline. Affected: yes. Observed: 1 variant allele.
Comment: FCGBP: BP4, BP7

Dr. Peter K. Rogan Lab, Western University
No classification provided (evidence only). Condition: Gastric cancer. Review status: no classification provided. Collection method: in vitro. Allele origin: not applicable. Functional consequence: retained intron. Not counted in ClinVar's aggregate classification.

NM_003890.3(FCGBP):c.1944G>A (p.Leu648=)

Gene: FCGBP (Fc gamma binding protein; minus strand). Cytogenetic location: 19q13.2.
Variant type: single nucleotide variant.
Coding change: c.1944G>A on transcript NM_003890.3 (MANE Select); coding-DNA position 1944, G replaced by A.
Protein change: p.Leu648=; no amino-acid change (leucine 648 retained).
Molecular consequence: synonymous variant.
Genome position (GRCh38, 1-based): chr19:39,918,352, C>T on the plus strand (G>A on the coding strand, the complement: FCGBP is on the minus strand). VCF-style: chr19-39918352-C-T. GRCh37 (hg19) VCF-style: chr19-40424259-C-T.
Other names: NC_000019.9:g.40424259C>T.
Identifiers: ClinVar variation 2649867 (VCV002649867.25), dbSNP rs200370610, ClinGen allele CA9437886.
Genomic context (GRCh38, chr19:39,918,352, plus strand): 5'-ATAGTGTTGGGCCTGGCCTGGGGTGCAGGCGGGACAGTTGTTCTGGCAGCCATCCTCACA[C>T]AGGTAGTCCCCATCATCCAGCTTCCAGCTACTTGCGAACTCCACAGCGTCAGGAGCCAGA-3'
Protein context (NP_003881.2, residues 638-658): SSWKLDDGDY[Leu648=]CEDGCQNNCP